The following is an entry in ClinVar:

ClinVar aggregate classification (germline): Uncertain significance. Review status: criteria provided, multiple submitters, no conflicts (2 of 4 stars). 2 submissions from 2 submitters: Uncertain significance (2). Last evaluated 2025-09-27.

Conditions:
Inborn genetic diseases. Identifiers: MedGen C0950123, MeSH D030342.

Allele frequency attached by ClinVar (database versions not stated): gnomAD 0.00001 and 0.00002; TOPMed 0.00002; ESP Exome Variant Server 0.00008; 1000 Genomes Project 30x 0.00016; 1000 Genomes Project 0.00020; gnomAD exomes 0.00003 and 0.00006; ExAC 0.00004.
gnomAD v4.1: 87 of 1,614,126 alleles (0.0054%); highest among the groups gnomAD compares: Non-Finnish European, 0.0064%; no homozygotes.

Submissions (2):

Ambry Genetics
Classification: Uncertain significance for Inborn genetic diseases. Last evaluated: 2025-09-27. Review status: criteria provided, single submitter. Criteria: Ambry Variant Classification Scheme 2023. Collection method: clinical testing. Allele origin: germline.

Labcorp Genetics (formerly Invitae), Labcorp
Classification: Uncertain significance. Last evaluated: 2022-03-06. Review status: criteria provided, single submitter. Criteria: Invitae Variant Classification Sherloc (09022015). Collection method: clinical testing. Allele origin: germline.
Comment: This sequence change replaces arginine, which is basic and polar, with glutamine, which is neutral and polar, at codon 383 of the GPC6 protein (p.Arg383Gln). This variant is present in population databases (rs138729597, gnomAD 0.01%). This variant has not been reported in the literature in individuals affected with GPC6-related conditions. Algorithms developed to predict the effect of missense changes on protein structure and function (SIFT, PolyPhen-2, Align-GVGD) all suggest that this variant is likely to be tolerated. In summary, the available evidence is currently insufficient to determine the role of this variant in disease. Therefore, it has been classified as a Variant of Uncertain Significance.

NM_005708.5(GPC6):c.1148G>A (p.Arg383Gln)

Gene: GPC6 (glypican 6; plus strand). Cytogenetic location: 13q31.3.
Variant type: single nucleotide variant.
Coding change: c.1148G>A on transcript NM_005708.5 (MANE Select); coding-DNA position 1148, G replaced by A.
Protein change: p.Arg383Gln; replaces arginine 383 with glutamine.
Molecular consequence: missense variant.
Genome position (GRCh38, 1-based): chr13:94,306,119, G>A. VCF-style: chr13-94306119-G-A. GRCh37 (hg19) VCF-style: chr13-94958373-G-A.
Other names: c.1148G>A (NM_005708.3); short protein forms R383Q.
Identifiers: ClinVar variation 1472053 (VCV001472053.7), dbSNP rs138729597, ClinGen allele CA7017070.
Genomic context (GRCh38, chr13:94,306,119, plus strand): 5'-GTTTCAGGCCCTACAATCCTGAGGAAAGACCAACAACTGCTGCAGGCACAAGCTTGGACC[G>A]GCTGGTGAGTATTCACAGATTGATAACCATGGCGGATGCTTTGTTTTACCAAGGTCATTC-3'
Protein context (NP_005699.1, residues 373-393): PTTAAGTSLD[Arg383Gln]LVTDIKEKLK